The following is an entry in ClinVar:

NM_002336.3(LRP6):c.577G>A (p.Glu193Lys)

Gene: LRP6 (LDL receptor related protein 6; minus strand). Cytogenetic location: 12p13.2.
Variant type: single nucleotide variant.
Coding change: c.577G>A on transcript NM_002336.3 (MANE Select); coding-DNA position 577, G replaced by A.
Protein change: p.Glu193Lys; replaces glutamic acid 193 with lysine.
Molecular consequence: missense variant.
Genome position (GRCh38, 1-based): chr12:12,203,273, C>T on the plus strand (G>A on the coding strand, the complement: LRP6 is on the minus strand). VCF-style: chr12-12203273-C-T. GRCh37 (hg19) VCF-style: chr12-12356207-C-T.
Other names: c.577G>A, p.Glu193Lys (NM_001414244.1, NM_001414245.1, NM_001414246.1 and 5 more transcripts); c.124G>A, p.Glu42Lys (NM_001414252.1, NM_001414253.1, NM_001414254.1); short protein forms E42K, E193K.
Identifiers: ClinVar variation 2188836 (VCV002188836.4), dbSNP rs142393548, ClinGen allele CA6455847.
Genomic context (GRCh38, chr12:12,203,273, plus strand): 5'-CATCCAGATTTGATTTGTGGATGAAATTAAGTTTTGCATCTGCCCAATAAAGCTTTTGTT[C>T]TTCATAATCCAAAGTCAGTCCATTTGGCCAGTAAATTTCACTGTTTATTATAATGAAGCG-3'
Protein context (NP_002327.2, residues 183-203): WPNGLTLDYE[Glu193Lys]QKLYWADAKL

ClinVar aggregate classification (germline): Uncertain significance (1 of 4 stars; one submission).

Allele frequency attached by ClinVar (database versions not stated): gnomAD 0.00002; TOPMed 0.00002; gnomAD exomes 0.00003; ExAC 0.00007; ESP Exome Variant Server 0.00008.
gnomAD v4.1: 52 of 1,613,736 alleles (0.0032%); highest among the groups gnomAD compares: Middle Eastern, 0.12%; no homozygotes.

Submission:

Labcorp Genetics (formerly Invitae), Labcorp
Classification: Uncertain significance. Last evaluated: 2022-05-28. Review status: criteria provided, single submitter. Criteria: Invitae Variant Classification Sherloc (09022015). Collection method: clinical testing. Allele origin: germline.
Comment: In summary, the available evidence is currently insufficient to determine the role of this variant in disease. Therefore, it has been classified as a Variant of Uncertain Significance. Algorithms developed to predict the effect of missense changes on protein structure and function are either unavailable or do not agree on the potential impact of this missense change (SIFT: "Deleterious"; PolyPhen-2: "Benign"; Align-GVGD: "Class C55"). This variant has not been reported in the literature in individuals affected with LRP6-related conditions. This variant is present in population databases (rs142393548, gnomAD 0.04%), and has an allele count higher than expected for a pathogenic variant. This sequence change replaces glutamic acid, which is acidic and polar, with lysine, which is basic and polar, at codon 193 of the LRP6 protein (p.Glu193Lys).